The following is an entry in ClinVar:

ClinVar aggregate classification (germline): Uncertain significance (1 of 4 stars; one submission).

Conditions:
Cystic fibrosis (CF). Also called: MUCOVISCIDOSIS. Identifiers: Orphanet 586, MedGen C0010674, MONDO:0009061, OMIM 219700. Disease mechanism: loss of function.

Allele frequency attached by ClinVar (database versions not stated): gnomAD exomes below 0.00001; gnomAD 0.00001; TOPMed below 0.00001.
gnomAD v4.1: 7 of 1,613,240 alleles (0.00043%); highest among the groups gnomAD compares: Non-Finnish European, 0.00051%; no homozygotes.

Submission:

Labcorp Genetics (formerly Invitae), Labcorp
Classification: Uncertain significance for Cystic fibrosis. Last evaluated: 2022-07-14. Review status: criteria provided, single submitter. Criteria: Invitae Variant Classification Sherloc (09022015). Collection method: clinical testing. Allele origin: germline.
Comment: This sequence change replaces lysine, which is basic and polar, with glutamine, which is neutral and polar, at codon 1213 of the CFTR protein (p.Lys1213Gln). In summary, the available evidence is currently insufficient to determine the role of this variant in disease. Therefore, it has been classified as a Variant of Uncertain Significance. Algorithms developed to predict the effect of missense changes on protein structure and function (SIFT, PolyPhen-2, Align-GVGD) all suggest that this variant is likely to be tolerated. This variant has not been reported in the literature in individuals affected with CFTR-related conditions. This variant is not present in population databases (gnomAD no frequency).

NM_000492.4(CFTR):c.3637A>C (p.Lys1213Gln)

Genes: CFTR (CF transmembrane conductance regulator; plus strand), CFTR-AS2 (CFTR antisense RNA 2; minus strand). Cytogenetic location: 7q31.2.
Variant type: single nucleotide variant.
Coding change: c.3637A>C on transcript NM_000492.4 (MANE Select); coding-DNA position 3637, A replaced by C.
Protein change: p.Lys1213Gln; replaces lysine 1213 with glutamine.
Molecular consequence: missense variant.
Genome position (GRCh38, 1-based): chr7:117,627,690, A>C. VCF-style: chr7-117627690-A-C. GRCh37 (hg19) VCF-style: chr7-117267744-A-C.
Other names: short protein forms K1213Q.
Identifiers: ClinVar variation 2200420 (VCV002200420.4), dbSNP rs1266135988, ClinGen allele CA368997286.
Genomic context (GRCh38, chr7:117,627,690, plus strand): 5'-ATTGAGAATTCACACGTGAAGAAAGATGACATCTGGCCCTCAGGGGGCCAAATGACTGTC[A>C]AAGATCTCACAGCAAAATACACAGAAGGTGGAAATGCCATATTAGAGAACATTTCCTTCT-3'
Protein context (NP_000483.3, residues 1203-1223): IWPSGGQMTV[Lys1213Gln]DLTAKYTEGG